The following is an entry in ClinVar:

NM_019098.5(CNGB3):c.466T>G (p.Ser156Ala)

Gene: CNGB3 (cyclic nucleotide gated channel subunit beta 3; minus strand). Cytogenetic location: 8q21.3.
Variant type: single nucleotide variant.
Coding change: c.466T>G on transcript NM_019098.5 (MANE Select); coding-DNA position 466, T replaced by G.
Protein change: p.Ser156Ala; replaces serine 156 with alanine.
Molecular consequence: missense variant.
Genome position (GRCh38, 1-based): chr8:86,670,971, A>C on the plus strand (T>G on the coding strand, the complement: CNGB3 is on the minus strand). VCF-style: chr8-86670971-A-C. GRCh37 (hg19) VCF-style: chr8-87683199-A-C.
Other names: short protein forms S156A.
Identifiers: ClinVar variation 2846435 (VCV002846435.3), dbSNP rs1823848112, ClinGen allele CA371450079.
Genomic context (GRCh38, chr8:86,670,971, plus strand): 5'-TTCTTCCCAGTACTTGGAGGGAGCAATGCTTACCAGTTTGTGGGCTGGCTTCGGGTGAGG[A>C]GAGATCTCCCTCTACCAACTTTTTCTTGTAGAGGGCTGTTCTTTGACGCATTCTTTTCAC-3'
Protein context (NP_061971.3, residues 146-166): YKKKLVEGDL[Ser156Ala]SPEASPQTAK

ClinVar aggregate classification (germline): Uncertain significance (1 of 4 stars; one submission).

Allele frequency attached by ClinVar (database versions not stated): gnomAD exomes below 0.00001; TOPMed 0.00001.
gnomAD v4.1: 1 of 1,612,604 alleles (0.000062%); highest among the groups gnomAD compares: African/African-American, 0.0013%; no homozygotes.

Submission:

Labcorp Genetics (formerly Invitae), Labcorp
Classification: Uncertain significance. Last evaluated: 2023-10-13. Review status: criteria provided, single submitter. Criteria: Invitae Variant Classification Sherloc (09022015). Collection method: clinical testing. Allele origin: germline.
Comment: This sequence change replaces serine, which is neutral and polar, with alanine, which is neutral and non-polar, at codon 156 of the CNGB3 protein (p.Ser156Ala). This variant is not present in population databases (gnomAD no frequency). This variant has not been reported in the literature in individuals affected with CNGB3-related conditions. Advanced modeling of protein sequence and biophysical properties (such as structural, functional, and spatial information, amino acid conservation, physicochemical variation, residue mobility, and thermodynamic stability) has been performed at Invitae for this missense variant, however the output from this modeling did not meet the statistical confidence thresholds required to predict the impact of this variant on CNGB3 protein function. This variant disrupts the p.Ser156 amino acid residue in CNGB3. Other variant(s) that disrupt this residue have been determined to be pathogenic (PMID: 15657609, 25616768, 28795510). This suggests that this residue is clinically significant, and that variants that disrupt this residue are likely to be disease-causing. In summary, the available evidence is currently insufficient to determine the role of this variant in disease. Therefore, it has been classified as a Variant of Uncertain Significance.

Literature cited by the submitters: PubMed 15657609; PubMed 25616768; PubMed 28795510.